The following is an entry in ClinVar:

ClinVar aggregate classification (germline): Pathogenic. Review status: reviewed by expert panel (3 of 4 stars). 4 submissions from 4 submitters: Pathogenic (1). 3 of the submissions do not count toward it. Last evaluated 2023-08-28.

Conditions:
CDH1-related diffuse gastric and lobular breast cancer syndrome. Also called: CDH1-related diffuse gastric and lobular breast cancer. Identifiers: MedGen CN311521, MONDO:0100488.
Hereditary cancer-predisposing syndrome. Also called: Tumor predisposition; Neoplastic Syndromes, Hereditary; Hereditary Cancer Syndrome; Hereditary neoplastic syndrome. Identifiers: Orphanet 140162, MedGen C0027672, MeSH D009386, MONDO:0015356.
Hereditary diffuse gastric adenocarcinoma (HDGC). Also called: DIFFUSE GASTRIC AND LOBULAR BREAST CANCER SYNDROME. Identifiers: Orphanet 26106, MedGen C1708349, MONDO:0007648, OMIM 137215.

Allele frequency attached by ClinVar (database versions not stated): gnomAD exomes below 0.00001.
gnomAD v4.1: 1 of 1,614,188 alleles (0.000062%); highest among the groups gnomAD compares: Non-Finnish European, 0.000085%; no homozygotes.

Submissions (4):

Clingen Gastric Cancer Variant Curation Expert Panel
Classification: Pathogenic for CDH1-related diffuse gastric and lobular breast cancer syndrome. Last evaluated: 2023-08-28. Review status: reviewed by expert panel. Criteria: ClinGen CDH1 ACMG Specifications V3.1. Collection method: curation. Allele origin: germline. Inheritance: Autosomal dominant inheritance.
Comment: The c.1565+1G>C variant is a canonical splice variant predicted to result in a truncated or absent protein (PVS1_Strong, PM5_Supporting). The variant is absent in the gnomAD cohort (PM2_Supporting). This variant has been reported in at least four families meeting HDGC clinical criteria (PS4; PMID: 26182300, SCV000545383.5 and internal laboratory contributor). This variant was also found to co-segregate with disease in multiple affected family members, with at least nine meioses observed across four families (PP1_Strong; SCV000545383.5, SCV000665081.3 and internal laboratory contributor). In summary, this variant meets criteria to be classified as pathogenic based on the ACMG/AMP criteria applied as specified by the CDH1 Variant Curation Expert Panel (Variant Interpretation Guidelines Version 3.1): PVS1_Strong, PS4, PP1_Strong, PM2_Supporting, PM5_Supporting.

Labcorp Genetics (formerly Invitae), Labcorp
Classification: Pathogenic for Hereditary diffuse gastric adenocarcinoma. Last evaluated: 2025-07-30. Review status: criteria provided, single submitter. Criteria: Invitae Variant Classification Sherloc (09022015). Collection method: clinical testing. Allele origin: germline. Not counted in ClinVar's aggregate classification.
Comment: This sequence change affects a donor splice site in intron 10 of the CDH1 gene. RNA analysis indicates that disruption of this splice site induces altered splicing and may result in an absent or altered protein product. This variant is not present in population databases (gnomAD no frequency). Disruption of this splice site has been observed in individuals with hereditary diffuse gastric cancer (PMID: 26182300). It has also been observed to segregate with disease in related individuals. ClinVar contains an entry for this variant (Variation ID: 406622). Studies have shown that disruption of this splice site results in activation of a cryptic splice site, and produces a non-functional protein and/or introduces a premature termination codon (internal data). For these reasons, this variant has been classified as Pathogenic.

Myriad Genetics, Inc.
Classification: Likely pathogenic for Hereditary diffuse gastric adenocarcinoma. Last evaluated: 2023-06-14. Review status: criteria provided, single submitter. Criteria: Myriad Autosomal Dominant, Autosomal Recessive and X-Linked Classification Criteria (2023). Collection method: clinical testing. Allele origin: unknown. Not counted in ClinVar's aggregate classification.
Comment: This variant is considered likely pathogenic. This variant occurs within a consensus splice junction and is predicted to result in abnormal mRNA splicing of either an out-of-frame exon or an in-frame exon necessary for protein stability and/or normal function.

Ambry Genetics
Classification: Pathogenic for Hereditary cancer-predisposing syndrome. Last evaluated: 2023-02-23. Review status: criteria provided, single submitter. Criteria: Ambry Variant Classification Scheme 2023. Collection method: clinical testing. Allele origin: germline. Not counted in ClinVar's aggregate classification.
Comment: The c.1565+1G>C intronic pathogenic mutation results from a G to C substitution one nucleotide after coding exon 10 of the CDH1 gene. This alteration was identified in a proband with diffuse gastric cancer who had a family history of gastric cancer and lobular breast cancer (Hansford S et al. JAMA Oncol. 2015 Apr;1(1):23-32). In addition, two different splicing mutations at the same position, c.1565+1G>T and c.1565+1G>A, have previously been detected in families affected with hereditary diffuse gastric cancer (Humar B et al. Hum Mutat. 2002;19(5):518-25; Schrader KA et al. Fam Cancer. 2008;7:73-82; Huynh JM et al. Mol Genet Genomic Med. 2016 Mar;4(2):232-6). In addition to the clinical data presented in the literature, alterations that disrupt the canonical splice site are expected to cause aberrant splicing, resulting in an abnormal protein or a transcript that is subject to nonsense-mediated mRNA decay. RNA studies have demonstrated that this alteration results in abnormal splicing in the set of samples tested (Ambry internal data). As such, this alteration is classified as a disease-causing mutation.

Literature cited by the submitters: PubMed 26182300 (cited by Labcorp Genetics (formerly Invitae), Labcorp and Ambry Genetics); PubMed 11968084 (cited by Ambry Genetics); PubMed 18046629 (cited by Ambry Genetics); PubMed 27064202 (cited by Ambry Genetics).

NM_004360.5(CDH1):c.1565+1G>C

Gene: CDH1 (cadherin 1; plus strand). Cytogenetic location: 16q22.1.
Variant type: single nucleotide variant.
Coding change: c.1565+1G>C on transcript NM_004360.5 (MANE Select); the canonical splice donor site of the intron after coding-DNA position 1565, G replaced by C.
Molecular consequence: splice donor variant.
Genome position (GRCh38, 1-based): chr16:68,815,760, G>C. VCF-style: chr16-68815760-G-C. GRCh37 (hg19) VCF-style: chr16-68849663-G-C.
Other names: c.17+1G>C (NM_001317185.2); c.-255+1G>C (NM_001317186.2); c.1382+1G>C (NM_001317184.2).
Identifiers: ClinVar variation 406622 (VCV000406622.20), dbSNP rs587780113, ClinGen allele CA16614968.